The following is an entry in ClinVar:

NM_016239.4(MYO15A):c.6139A>G (p.Asn2047Asp)

Gene: MYO15A (myosin XVA; plus strand). Cytogenetic location: 17p11.2.
Variant type: single nucleotide variant.
Coding change: c.6139A>G on transcript NM_016239.4 (MANE Select); coding-DNA position 6139, A replaced by G.
Protein change: p.Asn2047Asp; replaces asparagine 2047 with aspartic acid.
Molecular consequence: missense variant.
Genome position (GRCh38, 1-based): chr17:18,143,962, A>G. VCF-style: chr17-18143962-A-G. GRCh37 (hg19) VCF-style: chr17-18047276-A-G.
Other names: short protein forms N2047D.
Identifiers: ClinVar variation 2129988 (VCV002129988.1), dbSNP rs2545266766, ClinGen allele CA398605926.

ClinVar aggregate classification (germline): Uncertain significance (1 of 4 stars; one submission).

Submission:

Labcorp Genetics (formerly Invitae), Labcorp
Classification: Uncertain significance. Last evaluated: 2022-04-24. Review status: criteria provided, single submitter. Criteria: Invitae Variant Classification Sherloc (09022015). Collection method: clinical testing. Allele origin: germline.
Comment: This sequence change replaces asparagine, which is neutral and polar, with aspartic acid, which is acidic and polar, at codon 2047 of the MYO15A protein (p.Asn2047Asp). This variant is not present in population databases (gnomAD no frequency). This variant has not been reported in the literature in individuals affected with MYO15A-related conditions. Advanced modeling of protein sequence and biophysical properties (such as structural, functional, and spatial information, amino acid conservation, physicochemical variation, residue mobility, and thermodynamic stability) performed at Invitae indicates that this missense variant is not expected to disrupt MYO15A protein function. In summary, the available evidence is currently insufficient to determine the role of this variant in disease. Therefore, it has been classified as a Variant of Uncertain Significance.